The following is an entry in ClinVar:

NM_004947.5(DOCK3):c.4341C>T (p.Arg1447=)

Gene: DOCK3 (dedicator of cytokinesis 3; plus strand). Cytogenetic location: 3p21.2.
Variant type: single nucleotide variant.
Coding change: c.4341C>T on transcript NM_004947.5 (MANE Select); coding-DNA position 4341, C replaced by T.
Protein change: p.Arg1447=; no amino-acid change (arginine 1447 retained).
Molecular consequence: synonymous variant.
Genome position (GRCh38, 1-based): chr3:51,356,180, C>T. VCF-style: chr3-51356180-C-T. GRCh37 (hg19) VCF-style: chr3-51393611-C-T.
Identifiers: ClinVar variation 3025029 (VCV003025029.22), dbSNP rs753818671, ClinGen allele CA2421741.
Genomic context (GRCh38, chr3:51,356,180, plus strand): 5'-AGATTATGTGGATGTTCTGCAGATGGATAGGGTACCAGATCGAGTCAAGAGCTTCTATCG[C>T]GTCAACAATGTGAGGAAGTTCCGGTATGACAGGCCTTTTCACAAAGGCCCCAAGGACAAG-3'
Protein context (NP_004938.1, residues 1437-1457): RVPDRVKSFY[Arg1447=]VNNVRKFRYD

ClinVar aggregate classification (germline): Likely benign (1 of 4 stars; one submission).

Allele frequency attached by ClinVar (database versions not stated): gnomAD 0.00005; gnomAD exomes 0.00005; TOPMed 0.00005; ExAC 0.00006.
gnomAD v4.1: 81 of 1,613,968 alleles (0.005%); highest among the groups gnomAD compares: Middle Eastern, 0.05%; no homozygotes.

Submission:

CeGaT Center for Human Genetics Tuebingen
Classification: Likely benign. Last evaluated: 2024-01-01. Review status: criteria provided, single submitter. Criteria: CeGaT Center For Human Genetics Tuebingen Variant Classification Criteria Version 2. Collection method: clinical testing. Allele origin: germline. Affected: yes. Observed: 1 variant allele.
Comment: DOCK3: BP4, BP7